The following is an entry in ClinVar:

ClinVar aggregate classification (germline): Uncertain significance. Review status: criteria provided, single submitter (1 of 4 stars). 2 submissions from 2 submitters: Uncertain significance (1). 1 of the submissions does not count toward it. Last evaluated 2023-07-07.

Conditions:
PKD1-related disorder. Also called: PKD1-related condition.

Allele frequency attached by ClinVar (database versions not stated): gnomAD exomes 0.00002; ESP Exome Variant Server 0.00008; ExAC 0.00012; 1000 Genomes Project 0.00020; gnomAD 0.00020; TOPMed 0.00023; 1000 Genomes Project 30x 0.00031.
gnomAD v4.1: 60 of 1,608,854 alleles (0.0037%); highest among the groups gnomAD compares: African/African-American, 0.047%; no homozygotes.

Submissions (2):

GeneDx
Classification: Uncertain significance. Last evaluated: 2023-07-07. Review status: criteria provided, single submitter. Criteria: GeneDx Variant Classification Process June 2021. Collection method: clinical testing. Allele origin: germline. Affected: yes.
Comment: Reported as a polymorphism in published literature (Yu et al., 2011); In silico analysis supports that this missense variant does not alter protein structure/function; This variant is associated with the following publications: (PMID: 22185115)

PreventionGenetics, part of Exact Sciences
Classification: Likely benign for PKD1-related condition. Last evaluated: 2024-08-29. Review status: no assertion criteria provided. Collection method: clinical testing. Allele origin: germline. Not counted in ClinVar's aggregate classification.
Comment: This variant is classified as likely benign based on ACMG/AMP sequence variant interpretation guidelines (Richards et al. 2015 PMID: 25741868, with internal and published modifications).

NM_001009944.3(PKD1):c.6205G>A (p.Gly2069Ser)

Gene: PKD1 (polycystin 1, transient receptor potential channel interacting; minus strand). Cytogenetic location: 16p13.3.
Variant type: single nucleotide variant.
Coding change: c.6205G>A on transcript NM_001009944.3 (MANE Select); coding-DNA position 6205, G replaced by A.
Protein change: p.Gly2069Ser; replaces glycine 2069 with serine.
Molecular consequence: missense variant.
Genome position (GRCh38, 1-based): chr16:2,108,962, C>T on the plus strand (G>A on the coding strand, the complement: PKD1 is on the minus strand). VCF-style: chr16-2108962-C-T. GRCh37 (hg19) VCF-style: chr16-2158963-C-T.
Other names: c.6205G>A, p.Gly2069Ser (NM_000296.4); short protein forms G2069S.
Identifiers: ClinVar variation 3033868 (VCV003033868.2), dbSNP rs148363380, ClinGen allele CA7831676.